The following is an entry in ClinVar:

NM_014702.5(KIAA0408):c.233T>C (p.Ile78Thr)

Genes: KIAA0408 (KIAA0408; minus strand), SOGA3-KIAA0408 (SOGA3-KIAA0408 readthrough; minus strand). Cytogenetic location: 6q22.33.
Variant type: single nucleotide variant.
Coding change: c.233T>C on transcript NM_014702.5 (MANE Select); coding-DNA position 233, T replaced by C.
Protein change: p.Ile78Thr; replaces isoleucine 78 with threonine.
Molecular consequence: missense variant. On other transcripts: non-coding transcript variant (1).
Genome position (GRCh38, 1-based): chr6:127,450,255, A>G on the plus strand (T>C on the coding strand, the complement: KIAA0408 is on the minus strand). VCF-style: chr6-127450255-A-G. GRCh37 (hg19) VCF-style: chr6-127771400-A-G.
Other names: short protein forms I78T.
Identifiers: ClinVar variation 2656901 (VCV002656901.24), dbSNP rs140657174, ClinGen allele CA3989257.
Genomic context (GRCh38, chr6:127,450,255, plus strand): 5'-TTGTGATTCGTCCTTATAAATTCACTTTGTCCTAAATCGGGGTAATTTGGGGAAGATTCT[A>G]TCACTTTCTCTGGAATGGTCTTCTCATGGTAAAGATCAATGATCTTAGCACTTTCATTGA-3'
Protein context (NP_055517.3, residues 68-88): YHEKTIPEKV[Ile78Thr]ESSPNYPDLG

ClinVar aggregate classification (germline): Likely benign (1 of 4 stars; one submission).

Allele frequency attached by ClinVar (database versions not stated): 1000 Genomes Project 30x 0.00125; ExAC 0.00141; TOPMed 0.00058; gnomAD 0.00076; ESP Exome Variant Server 0.00077; 1000 Genomes Project 0.00120.
gnomAD v4.1: 1,732 of 1,613,938 alleles (0.11%); highest among the groups gnomAD compares: South Asian, 0.13%; 6 homozygotes.

Submission:

CeGaT Center for Human Genetics Tuebingen
Classification: Likely benign. Last evaluated: 2023-01-01. Review status: criteria provided, single submitter. Criteria: CeGaT Center For Human Genetics Tuebingen Variant Classification Criteria Version 2. Collection method: clinical testing. Allele origin: germline. Affected: yes. Observed: 1 variant allele.
Comment: KIAA0408: BP4, BS2